The following is an entry in ClinVar:

NM_031935.3(HMCN1):c.1367T>C (p.Leu456Pro)

Gene: HMCN1 (hemicentin 1; plus strand). Cytogenetic location: 1q31.1.
Variant type: single nucleotide variant.
Coding change: c.1367T>C on transcript NM_031935.3 (MANE Select); coding-DNA position 1367, T replaced by C.
Protein change: p.Leu456Pro; replaces leucine 456 with proline.
Molecular consequence: missense variant.
Genome position (GRCh38, 1-based): chr1:185,925,128, T>C. VCF-style: chr1-185925128-T-C. GRCh37 (hg19) VCF-style: chr1-185894260-T-C.
Other names: short protein forms L456P.
Identifiers: ClinVar variation 2115008 (VCV002115008.4), dbSNP rs750537862, ClinGen allele CA1291089.
Genomic context (GRCh38, chr1:185,925,128, plus strand): 5'-CTGAGAAAACCCCAGGATACTATCTGCAGCCGGGCCAAATTCCCTGCTCTGTTGACAGTC[T>C]TTTGCCCTTTACCTTGAGCTTTGTCAGAAATGGAGTTACACTTGGAGTAGACCAGTATTT-3'
Protein context (NP_114141.2, residues 446-466): PGQIPCSVDS[Leu456Pro]LPFTLSFVRN

ClinVar aggregate classification (germline): Uncertain significance (1 of 4 stars; one submission).

Allele frequency attached by ClinVar (database versions not stated): ExAC 0.00002; gnomAD exomes 0.00002.
gnomAD v4.1: 30 of 1,614,004 alleles (0.0019%); highest among the groups gnomAD compares: Non-Finnish European, 0.0025%; no homozygotes.

Submission:

Labcorp Genetics (formerly Invitae), Labcorp
Classification: Uncertain significance. Last evaluated: 2025-03-26. Review status: criteria provided, single submitter. Criteria: Invitae Variant Classification Sherloc (09022015). Collection method: clinical testing. Allele origin: germline.
Comment: This sequence change replaces leucine, which is neutral and non-polar, with proline, which is neutral and non-polar, at codon 456 of the HMCN1 protein (p.Leu456Pro). This variant is present in population databases (rs750537862, gnomAD 0.003%). This variant has not been reported in the literature in individuals affected with HMCN1-related conditions. ClinVar contains an entry for this variant (Variation ID: 2115008). An algorithm developed to predict the effect of missense changes on protein structure and function (PolyPhen-2) suggests that this variant is likely to be disruptive. In summary, the available evidence is currently insufficient to determine the role of this variant in disease. Therefore, it has been classified as a Variant of Uncertain Significance.